The following is an entry in ClinVar:

NM_033026.6(PCLO):c.3898T>C (p.Ser1300Pro)

Gene: PCLO (piccolo presynaptic cytomatrix protein; minus strand). Cytogenetic location: 7q21.11.
Variant type: single nucleotide variant.
Coding change: c.3898T>C on transcript NM_033026.6 (MANE Select); coding-DNA position 3898, T replaced by C.
Protein change: p.Ser1300Pro; replaces serine 1300 with proline.
Molecular consequence: missense variant.
Genome position (GRCh38, 1-based): chr7:82,965,890, A>G on the plus strand (T>C on the coding strand, the complement: PCLO is on the minus strand). VCF-style: chr7-82965890-A-G. GRCh37 (hg19) VCF-style: chr7-82595206-A-G.
Other names: c.3898T>C, p.Ser1300Pro (NM_014510.3); c.3898T>C (NM_033026.5); short protein forms S1300P.
Identifiers: ClinVar variation 1502086 (VCV001502086.9), dbSNP rs1174934975, ClinGen allele CA367931265.
Genomic context (GRCh38, chr7:82,965,890, plus strand): 5'-GTTCTTTTATTGTTTTGGTTGTCTTATCATCTTCTTTAGGTAAACTCTGAGGTGTGCCAG[A>G]TGGTAAACCTTCCATCTTGGTCTGTGGTTGTTTCCCTTCTTGCACTGTCTTTGGAGCCAC-3'
Protein context (NP_149015.2, residues 1290-1310): QPQTKMEGLP[Ser1300Pro]GTPQSLPKED

ClinVar aggregate classification (germline): Conflicting classifications of pathogenicity. Review status: criteria provided, conflicting classifications (1 of 4 stars). 2 submissions from 2 submitters: Uncertain significance (1); Likely benign (1). Last evaluated 2026-01-28.

Conditions:
Inborn genetic diseases. Identifiers: MedGen C0950123, MeSH D030342.

Allele frequency attached by ClinVar (database versions not stated): TOPMed 0.00001.
gnomAD v4.1: 3 of 1,613,776 alleles (0.00019%); highest among the groups gnomAD compares: African/African-American, 0.004%; no homozygotes.

Submissions (2):

Labcorp Genetics (formerly Invitae), Labcorp
Classification: Uncertain significance. Last evaluated: 2026-01-28. Review status: criteria provided, single submitter. Criteria: Invitae Variant Classification Sherloc (09022015). Collection method: clinical testing. Allele origin: germline.
Comment: This sequence change replaces serine, which is neutral and polar, with proline, which is neutral and non-polar, at codon 1300 of the PCLO protein (p.Ser1300Pro). This variant is present in population databases (no rsID available, gnomAD 0.007%). This variant has not been reported in the literature in individuals affected with PCLO-related conditions. ClinVar contains an entry for this variant (Variation ID: 1502086). An algorithm developed to predict the effect of missense changes on protein structure and function outputs the following: PolyPhen-2: "Not Available". The proline amino acid residue is found in multiple mammalian species, which suggests that this missense change does not adversely affect protein function. In summary, the available evidence is currently insufficient to determine the role of this variant in disease. Therefore, it has been classified as a Variant of Uncertain Significance.

Ambry Genetics
Classification: Likely benign for Inborn genetic diseases. Last evaluated: 2025-04-05. Review status: criteria provided, single submitter. Criteria: Ambry Variant Classification Scheme 2023. Collection method: clinical testing. Allele origin: germline.